The following is an entry in ClinVar:

ClinVar aggregate classification (germline): Uncertain significance (1 of 4 stars; one submission).

Conditions:
Hereditary nonpolyposis colorectal neoplasms. Identifiers: MedGen C0009405, MeSH D003123.

Submission:

Labcorp Genetics (formerly Invitae), Labcorp
Classification: Uncertain significance for Hereditary nonpolyposis colorectal neoplasms. Last evaluated: 2021-01-13. Review status: criteria provided, single submitter. Criteria: Invitae Variant Classification Sherloc (09022015). Collection method: clinical testing. Allele origin: germline.
Comment: In summary, the available evidence is currently insufficient to determine the role of this variant in disease. Therefore, it has been classified as a Variant of Uncertain Significance. This sequence change replaces lysine with glutamic acid at codon 431 of the MSH6 protein (p.Lys431Glu). The lysine residue is highly conserved and there is a small physicochemical difference between lysine and glutamic acid. This variant is not present in population databases (ExAC no frequency). This variant has not been reported in the literature in individuals with MSH6-related conditions. Advanced modeling of protein sequence and biophysical properties (such as structural, functional, and spatial information, amino acid conservation, physicochemical variation, residue mobility, and thermodynamic stability) performed at Invitae indicates that this missense variant is expected to disrupt MSH6 protein function.

NM_000179.3(MSH6):c.1291A>G (p.Lys431Glu)

Gene: MSH6 (mutS homolog 6; plus strand). Cytogenetic location: 2p16.3.
Variant type: single nucleotide variant.
Coding change: c.1291A>G on transcript NM_000179.3 (MANE Select); coding-DNA position 1291, A replaced by G.
Protein change: p.Lys431Glu; replaces lysine 431 with glutamic acid.
Molecular consequence: missense variant.
Genome position (GRCh38, 1-based): chr2:47,799,274, A>G. VCF-style: chr2-47799274-A-G. GRCh37 (hg19) VCF-style: chr2-48026413-A-G.
Other names: c.901A>G, p.Lys301Glu (NM_001281492.2); c.385A>G, p.Lys129Glu (NM_001281493.2, NM_001281494.2); short protein forms K129E, K301E, K431E.
Identifiers: ClinVar variation 1364118 (VCV001364118.8), dbSNP rs2104333951, ClinGen allele CA346744185.